The following is an entry in ClinVar:

NM_000390.4(CHM):c.650dup (p.Tyr217Ter)

Gene: CHM (CHM Rab escort protein; minus strand). Cytogenetic location: Xq21.2.
Variant type: Duplication.
Coding change: c.650dup on transcript NM_000390.4 (MANE Select); coding-DNA position 650, one base duplicated (A; older notation c.650dupA).
Protein change: p.Tyr217Ter; replaces tyrosine 217 with a stop codon.
Molecular consequence: nonsense.
Genome position (GRCh38, 1-based): chrX:85,963,717, T duplicated on the plus strand (A on the coding strand, the reverse complement: CHM is on the minus strand). VCF-style (leftmost placement, unchanged base first): chrX-85963716-G-GT. GRCh37 (hg19) VCF-style: chrX-85218721-G-GT.
Other names: c.206dup, p.Tyr69Ter (NM_001320959.1, NM_001362517.1, NM_001362518.2 and 1 more transcripts); short protein forms Y217*, Y69*.
Identifiers: ClinVar variation 3638890 (VCV003638890.2).

ClinVar aggregate classification (germline): Pathogenic (1 of 4 stars; one submission).

Submission:

Labcorp Genetics (formerly Invitae), Labcorp
Classification: Pathogenic. Last evaluated: 2024-02-20. Review status: criteria provided, single submitter. Criteria: Invitae Variant Classification Sherloc (09022015). Collection method: clinical testing. Allele origin: germline.
Comment: This sequence change creates a premature translational stop signal (p.Tyr217*) in the CHM gene. It is expected to result in an absent or disrupted protein product. Loss-of-function variants in CHM are known to be pathogenic (PMID: 9067750, 23811034). This variant is not present in population databases (gnomAD no frequency). This variant has not been reported in the literature in individuals affected with CHM-related conditions. For these reasons, this variant has been classified as Pathogenic.

Literature cited by the submitters: PubMed 9067750; PubMed 23811034.